The following is an entry in ClinVar:

ClinVar aggregate classification (germline): Conflicting classifications of pathogenicity. Review status: criteria provided, conflicting classifications (1 of 4 stars). 3 submissions from 3 submitters: Uncertain significance (2); Likely benign (1). Last evaluated 2024-09-20.

Conditions:
3-hydroxyisobutyryl-CoA hydrolase deficiency. Also called: Reduced circulating 3-hydroxyisobutyryl-CoA hydrolase activity; Deficiency of 3-hydroxyisobutyryl CoA hydrolase; HIBCH DEFICIENCY; METHACRYLIC ACID TOXICITY; METHACRYLIC ACIDURIA; VALINE METABOLIC DEFECT. Identifiers: Orphanet 88639, MedGen C0342738, MONDO:0009603, OMIM 250620, HP:6000215.

Allele frequency attached by ClinVar (database versions not stated): TOPMed below 0.00001; gnomAD 0.00001; gnomAD exomes 0.00001 and 0.00002; ExAC 0.00002.

Submissions (3):

3billion
Classification: Likely benign for 3-hydroxyisobutyryl-CoA hydrolase deficiency. Last evaluated: 2024-09-20. Review status: criteria provided, single submitter. Criteria: ACMG Guidelines, 2015. Collection method: clinical testing. Allele origin: germline. Affected: no.
Comment: The homozygous variant was found in patients diagnosed with another variant in a different gene, with no symptoms related to the gene containing the homozygous variant.

Labcorp Genetics (formerly Invitae), Labcorp
Classification: Uncertain significance for 3-hydroxyisobutyryl-CoA hydrolase deficiency. Last evaluated: 2021-08-30. Review status: criteria provided, single submitter. Criteria: Invitae Variant Classification Sherloc (09022015). Collection method: clinical testing. Allele origin: germline.
Comment: This sequence change replaces glutamic acid with lysine at codon 76 of the HIBCH protein (p.Glu76Lys). The glutamic acid residue is highly conserved and there is a small physicochemical difference between glutamic acid and lysine. This variant is present in population databases (rs778434126, ExAC 0.003%). This variant has not been reported in the literature in individuals affected with HIBCH-related conditions. Algorithms developed to predict the effect of missense changes on protein structure and function are either unavailable or do not agree on the potential impact of this missense change (SIFT: "Tolerated"; PolyPhen-2: "Possibly Damaging"; Align-GVGD: "Class C0"). In summary, the available evidence is currently insufficient to determine the role of this variant in disease. Therefore, it has been classified as a Variant of Uncertain Significance.

Institute of Human Genetics, University of Leipzig Medical Center
Classification: Uncertain significance for 3-hydroxyisobutyryl-CoA hydrolase deficiency. Last evaluated: 2019-01-01. Review status: criteria provided, single submitter. Criteria: ACMG Guidelines, 2015. Collection method: clinical testing. Allele origin: unknown. Affected: no.

NM_014362.4(HIBCH):c.226G>A (p.Glu76Lys)

Gene: HIBCH (3-hydroxyisobutyryl-CoA hydrolase; minus strand). Cytogenetic location: 2q32.2.
Variant type: single nucleotide variant.
Coding change: c.226G>A on transcript NM_014362.4 (MANE Select); coding-DNA position 226, G replaced by A.
Protein change: p.Glu76Lys; replaces glutamic acid 76 with lysine.
Molecular consequence: missense variant.
Genome position (GRCh38, 1-based): chr2:190,294,624, C>T on the plus strand (G>A on the coding strand, the complement: HIBCH is on the minus strand). VCF-style: chr2-190294624-C-T. GRCh37 (hg19) VCF-style: chr2-191159350-C-T.
Other names: c.226G>A, p.Glu76Lys (NM_198047.3); short protein forms E76K.
Identifiers: ClinVar variation 966410 (VCV000966410.8), dbSNP rs778434126, ClinGen allele CA2027725.